The following is an entry in ClinVar:

NM_001035.3(RYR2):c.2203G>T (p.Gly735Cys)

Gene: RYR2 (ryanodine receptor 2; plus strand). Cytogenetic location: 1q43.
Variant type: single nucleotide variant.
Coding change: c.2203G>T on transcript NM_001035.3 (MANE Select); coding-DNA position 2203, G replaced by T.
Protein change: p.Gly735Cys; replaces glycine 735 with cysteine.
Molecular consequence: missense variant.
Genome position (GRCh38, 1-based): chr1:237,496,752, G>T. VCF-style: chr1-237496752-G-T. GRCh37 (hg19) VCF-style: chr1-237660052-G-T.
Other names: short protein forms G735C.
Identifiers: ClinVar variation 3073124 (VCV003073124.1), dbSNP rs1442111387, ClinGen allele CA345392539.

ClinVar aggregate classification (germline): Uncertain significance (1 of 4 stars; one submission).

Conditions:
Catecholaminergic polymorphic ventricular tachycardia (CVPT). Also called: Catecholamine-induced polymorphic ventricular tachycardia. Identifiers: Orphanet 3286, MedGen C5574922, MONDO:0017990.

Submission:

All of Us Research Program, National Institutes of Health
Classification: Uncertain significance for Catecholaminergic polymorphic ventricular tachycardia. Last evaluated: 2023-08-23. Review status: criteria provided, single submitter. Criteria: ACMG Guidelines, 2015. Collection method: clinical testing. Allele origin: germline. Inheritance: Autosomal dominant inheritance. Observed: 1 variant allele, 1 heterozygote.
Comment: This missense variant replaces glycine with cysteine at codon 735 of the RYR2 protein. Computational prediction is inconclusive regarding the impact of this variant on protein structure and function (internally defined REVEL score threshold 0.5 < inconclusive < 0.7, PMID: 27666373). To our knowledge, functional studies have not been reported for this variant. This variant has not been reported in individuals affected with RYR2-related disorders in the literature. This variant has not been identified in the general population by the Genome Aggregation Database (gnomAD). The available evidence is insufficient to determine the role of this variant in disease conclusively. Therefore, this variant is classified as a Variant of Uncertain Significance.

This study involves interpretation of variants in research participants for the purpose of population health screening. Participant phenotype was not available at the time of variant classification. Additional details can be found in publication PMID: 35346344, PMCID: PMC8962531